The following is an entry in ClinVar:

NM_001385641.1(SAMD11):c.1644C>T (p.Asn548=)

Gene: SAMD11 (sterile alpha motif domain containing 11; plus strand). Cytogenetic location: 1p36.33.
Variant type: single nucleotide variant.
Coding change: c.1644C>T on transcript NM_001385641.1 (MANE Select); coding-DNA position 1644, C replaced by T.
Protein change: p.Asn548=; no amino-acid change (asparagine 548 retained).
Molecular consequence: synonymous variant.
Genome position (GRCh38, 1-based): chr1:942,649, C>T. VCF-style: chr1-942649-C-T. GRCh37 (hg19) VCF-style: chr1-878029-C-T.
Other names: c.1647C>T, p.Asn549= (NM_001385640.1); c.1155C>T, p.Asn385= (NM_152486.4); c.1155C>T (NM_152486.2).
Identifiers: ClinVar variation 1164675 (VCV001164675.16), dbSNP rs532223862, ClinGen allele CA502981.
Genomic context (GRCh38, chr1:942,649, plus strand): 5'-GAAGGAGCTGGAGAGCGCGCGCCCACAGCTGCTGGCGCCCGAGACCGCCCTGCGCCCCAA[C>T]GACGGCGCCGAGGAGCTGCAGCGGCGCGGGGCCCTGCTGGTGCTGAACCACGGCGCGGCG-3'
Protein context (NP_001372570.1, residues 538-558): LLAPETALRP[Asn548=]DGAEELQRRG

ClinVar aggregate classification (germline): Benign/Likely benign. Review status: criteria provided, multiple submitters, no conflicts (2 of 4 stars). 6 submissions from 6 submitters: Benign (2); Likely benign (1). 3 of the submissions do not count toward it. Last evaluated 2026-01-27.

Conditions:
SAMD11-related disorder. Also called: SAMD11-related condition.

Allele frequency attached by ClinVar (database versions not stated): 1000 Genomes Project 0.00020; 1000 Genomes Project 30x 0.00125; gnomAD 0.00179 and 0.00187; gnomAD exomes 0.00195; TOPMed 0.00214; ExAC 0.00388.
gnomAD v4.1: 4,001 of 1,435,920 alleles (0.28%); highest among the groups gnomAD compares: Middle Eastern, 1.1%; 4 homozygotes.

Submissions (6):

Labcorp Genetics (formerly Invitae), Labcorp
Classification: Benign. Last evaluated: 2026-01-27. Review status: criteria provided, single submitter. Criteria: Invitae Variant Classification Sherloc (09022015). Collection method: clinical testing. Allele origin: germline.

Blueprint Genetics
Classification: Likely benign. Last evaluated: 2024-11-13. Review status: criteria provided, single submitter. Criteria: ACMG Guidelines, 2015. Collection method: clinical testing. Allele origin: germline.

Breakthrough Genomics
Classification: Benign. Review status: criteria provided, single submitter. Criteria: ACMG Guidelines, 2015. Collection method: not provided. Allele origin: germline. Inheritance: Unknown mechanism. Affected: yes.

PreventionGenetics, part of Exact Sciences
Classification: Likely benign for SAMD11-related condition. Last evaluated: 2019-10-28. Review status: no assertion criteria provided. Collection method: clinical testing. Allele origin: germline. Not counted in ClinVar's aggregate classification.
Comment: This variant is classified as likely benign based on ACMG/AMP sequence variant interpretation guidelines (Richards et al. 2015 PMID: 25741868, with internal and published modifications).

Clinical Genetics DNA and cytogenetics Diagnostics Lab, Erasmus MC, Erasmus Medical Center
Classification: Likely benign. Review status: no assertion criteria provided. Collection method: clinical testing. Allele origin: germline. Affected: yes. Study: VKGL Data-share Consensus. Not counted in ClinVar's aggregate classification.

Clinical Genetics, Academic Medical Center
Classification: Likely benign. Review status: no assertion criteria provided. Collection method: clinical testing. Allele origin: germline. Affected: yes. Study: VKGL Data-share Consensus. Not counted in ClinVar's aggregate classification.